The following is an entry in ClinVar:

NM_178161.3(PTF1A):c.283G>C (p.Gly95Arg)

Gene: PTF1A (pancreas associated transcription factor 1a; plus strand). Cytogenetic location: 10p12.2.
Variant type: single nucleotide variant.
Coding change: c.283G>C on transcript NM_178161.3 (MANE Select); coding-DNA position 283, G replaced by C.
Protein change: p.Gly95Arg; replaces glycine 95 with arginine.
Molecular consequence: missense variant.
Genome position (GRCh38, 1-based): chr10:23,192,813, G>C. VCF-style: chr10-23192813-G-C. GRCh37 (hg19) VCF-style: chr10-23481742-G-C.
Other names: short protein forms G95R.
Identifiers: ClinVar variation 917466 (VCV000917466.2), dbSNP rs962887931, ClinGen allele CA204733976.
Genomic context (GRCh38, chr10:23,192,813, plus strand): 5'-CCGGCCGCCCCGCTAGCGCTCGCCCCGCCGTCCTCGGGGGGCCTCGGTGAGCCAGACGAC[G>C]GCGGCGGCGGCGGCTACTGCTGCGAGACGGGGGCGCCCCCAGGCGGCTTCCCCTACTCGC-3'
Protein context (NP_835455.1, residues 85-105): SSGGLGEPDD[Gly95Arg]GGGGYCCETG

ClinVar aggregate classification (germline): Uncertain significance (1 of 4 stars; one submission).

Conditions:
Monogenic diabetes. Identifiers: Orphanet 183625, MedGen C3888631, MONDO:0015967.

Allele frequency attached by ClinVar (database versions not stated): TOPMed 0.00002; gnomAD 0.00003 and 0.00004.
gnomAD v4.1: 7 of 1,289,342 alleles (0.00054%); highest among the groups gnomAD compares: Admixed American, 0.0082%; no homozygotes.

Submission:

Personalized Diabetes Medicine Program, University of Maryland School of Medicine
Classification: Uncertain significance for Monogenic diabetes. Last evaluated: 2018-05-18. Review status: criteria provided, single submitter. Criteria: ACMG Guidelines, 2015. Collection method: research. Allele origin: unknown. Observed: 1 variant allele, 1 heterozygote.
Comment: ACMG criteria: BP4 (8 predictors), REVEL is 0.256 = VUS (for AR disorder)